The following is an entry in ClinVar:

NM_001077350.3(NPRL3):c.1111_1122dup (p.Pro371_Leu374dup)

Genes: HBA-LCR (alpha-globin locus control region; plus strand), NPRL3 (NPR3 like, GATOR1 complex subunit; minus strand). Cytogenetic location: 16p13.3.
Variant type: Duplication.
Coding change: c.1111_1122dup on transcript NM_001077350.3 (MANE Select); coding-DNA positions 1111 to 1122, 12 bases duplicated (CCGGTCTCCTTG).
Protein change: p.Pro371_Leu374dup.
Molecular consequence: inframe insertion.
Genome position (GRCh38, 1-based): chr16:92,635-92,646, CAAGGAGACCGG duplicated on the plus strand (CCGGTCTCCTTG on the coding strand, the reverse complement: NPRL3 is on the minus strand); duplicating any 12 consecutive bases within chr16:92,635-92,654 gives the same sequence; the c. name uses the placement nearest the transcript's 3' end. VCF-style (leftmost placement, unchanged base first): chr16-92634-A-ACAAGGAGACCGG. GRCh37 (hg19) VCF-style: chr16-142632-A-ACAAGGAGACCGG.
Other names: c.574_585dup, p.Pro192_Leu195dup (NM_001039476.3); c.877_888dup, p.Pro293_Leu296dup (NM_001243247.2); c.1036_1047dup, p.Pro346_Leu349dup (NM_001243248.2, NM_001243249.2).
Identifiers: ClinVar variation 957562 (VCV000957562.9), dbSNP rs780621579, ClinGen allele CA7769445.
Genomic context (GRCh38, chr16:92,634, plus strand): 5'-TCCTTGAGCTTCTGTGACTCACCTCCTGCACAGCGGGGGCCAGGGGATTCCTAAATTCTG[A>ACAAGGAGACCGG]CAAGGAGACCGGCAAGGAGAACTTGGCAAGAACGGACGGCAGGTCATGAGATGGGAACTG-3'

ClinVar aggregate classification (germline): Uncertain significance. Review status: criteria provided, multiple submitters, no conflicts (2 of 4 stars). 2 submissions from 2 submitters: Uncertain significance (2). Last evaluated 2023-10-31.

Conditions:
Epilepsy, familial focal, with variable foci 3 (FFEVF3). Identifiers: MedGen C4310708, MONDO:0014925, OMIM 617118.

Submissions (2):

GeneDx
Classification: Uncertain significance. Last evaluated: 2023-10-31. Review status: criteria provided, single submitter. Criteria: GeneDx Variant Classification Process June 2021. Collection method: clinical testing. Allele origin: germline. Affected: yes.
Comment: Not observed at significant frequency in large population cohorts (gnomAD); In-frame duplication of 4 amino acids in a non-repeat region; Has not been previously published as pathogenic or benign to our knowledge

Labcorp Genetics (formerly Invitae), Labcorp
Classification: Uncertain significance for Epilepsy, familial focal, with variable foci 3. Last evaluated: 2023-07-16. Review status: criteria provided, single submitter. Criteria: Invitae Variant Classification Sherloc (09022015). Collection method: clinical testing. Allele origin: germline.
Comment: In summary, the available evidence is currently insufficient to determine the role of this variant in disease. Therefore, it has been classified as a Variant of Uncertain Significance. Experimental studies and prediction algorithms are not available or were not evaluated, and the functional significance of this variant is currently unknown. ClinVar contains an entry for this variant (Variation ID: 957562). This variant has not been reported in the literature in individuals affected with NPRL3-related conditions. This variant is present in population databases (rs780621579, gnomAD 0.0009%). This variant, c.1111_1122dup, results in the insertion of 4 amino acid(s) of the NPRL3 protein (p.Pro371_Leu374dup), but otherwise preserves the integrity of the reading frame.